The following is an entry in ClinVar:

NM_001283009.2(RTEL1):c.3463G>A (p.Val1155Met)

Genes: RTEL1 (regulator of telomere elongation helicase 1; plus strand), RTEL1-TNFRSF6B (RTEL1-TNFRSF6B readthrough (NMD candidate); plus strand). Cytogenetic location: 20q13.33.
Variant type: single nucleotide variant.
Coding change: c.3463G>A on transcript NM_001283009.2 (MANE Select); coding-DNA position 3463, G replaced by A.
Protein change: p.Val1155Met; replaces valine 1155 with methionine.
Molecular consequence: missense variant. On other transcripts: non-coding transcript variant (1).
Genome position (GRCh38, 1-based): chr20:63,695,185, G>A. VCF-style: chr20-63695185-G-A. GRCh37 (hg19) VCF-style: chr20-62326538-G-A.
Other names: c.2794G>A, p.Val932Met (NM_001283010.1); c.3463G>A, p.Val1155Met (NM_016434.4); c.3535G>A, p.Val1179Met (NM_032957.5); short protein forms V1179M, V1155M, V932M.
Identifiers: ClinVar variation 582053 (VCV000582053.13), dbSNP rs149145821, ClinGen allele CA9966041.

ClinVar aggregate classification (germline): Conflicting classifications of pathogenicity. Review status: criteria provided, conflicting classifications (1 of 4 stars). 7 submissions from 7 submitters: Uncertain significance (4); Likely benign (2). 1 of the submissions does not count toward it. Last evaluated 2026-01-01.

Conditions:
Inborn genetic diseases. Identifiers: MedGen C0950123, MeSH D030342.
Dyskeratosis congenita, autosomal recessive 5 (DKCB5). Identifiers: MedGen C3554656, MONDO:0014076, OMIM 615190.
Dyskeratosis congenita. Identifiers: Orphanet 1775, MedGen C0265965, MONDO:0015780.
Pulmonary fibrosis and/or bone marrow failure, Telomere-related, 3. Also called: PULMONARY FIBROSIS AND/OR BONE MARROW FAILURE SYNDROME, TELOMERE-RELATED, 3. Identifiers: Orphanet 2032, MedGen C4225346, MONDO:0014613, OMIM 616373.

Allele frequency attached by ClinVar (database versions not stated): ESP Exome Variant Server 0.00039; gnomAD 0.00018 and 0.00020; TOPMed 0.00021.
gnomAD v4.1: 148 of 1,612,096 alleles (0.0092%); highest among the groups gnomAD compares: East Asian, 0.11%; no homozygotes.

Submissions (7):

Labcorp Genetics (formerly Invitae), Labcorp
Classification: Uncertain significance for Dyskeratosis congenita, autosomal recessive 5; Pulmonary fibrosis and/or bone marrow failure, Telomere-related, 3. Last evaluated: 2026-01-01. Review status: criteria provided, single submitter. Criteria: Invitae Variant Classification Sherloc (09022015). Collection method: clinical testing. Allele origin: germline.
Comment: This sequence change replaces valine, which is neutral and non-polar, with methionine, which is neutral and non-polar, at codon 1155 of the RTEL1 protein (p.Val1155Met). This variant is present in population databases (rs149145821, gnomAD 0.06%). This variant has not been reported in the literature in individuals affected with RTEL1-related conditions. This variant is also known as c.3535G>A (p.Val1179Met). ClinVar contains an entry for this variant (Variation ID: 582053). An algorithm developed to predict the effect of missense changes on protein structure and function outputs the following: PolyPhen-2: "Benign". The methionine amino acid residue is found in multiple mammalian species, which suggests that this missense change does not adversely affect protein function. In summary, the available evidence is currently insufficient to determine the role of this variant in disease. Therefore, it has been classified as a Variant of Uncertain Significance.

Blueprint Genetics
Classification: Likely benign. Last evaluated: 2024-11-23. Review status: criteria provided, single submitter. Criteria: ACMG Guidelines, 2015. Collection method: clinical testing. Allele origin: germline.

Ambry Genetics
Classification: Likely benign for Inborn genetic diseases. Last evaluated: 2024-09-24. Review status: criteria provided, single submitter. Criteria: Ambry Variant Classification Scheme 2023. Collection method: clinical testing. Allele origin: germline.

Fulgent Genetics
Classification: Uncertain significance for Dyskeratosis congenita, autosomal recessive 5; Pulmonary fibrosis and/or bone marrow failure, Telomere-related, 3. Last evaluated: 2024-06-21. Review status: criteria provided, single submitter. Criteria: ACMG Guidelines, 2015. Collection method: clinical testing. Allele origin: germline.

GeneDx
Classification: Uncertain significance. Last evaluated: 2020-02-18. Review status: criteria provided, single submitter. Criteria: GeneDx Variant Classification Process June 2021. Collection method: clinical testing. Allele origin: germline. Affected: yes.
Comment: In silico analysis supports that this missense variant does not alter protein structure/function; Has not been previously published as pathogenic or benign to our knowledge

Baylor Genetics
Classification: Uncertain significance for Dyskeratosis congenita, autosomal recessive 5. Last evaluated: 2018-01-09. Review status: criteria provided, single submitter. Criteria: ACMG Guidelines, 2015. Collection method: clinical testing. Allele origin: paternal. Affected: yes.
Comment: This variant was determined to be of uncertain significance according to ACMG Guidelines, 2015 [PMID:25741868].

Natera, Inc.
Classification: Uncertain significance for Dyskeratosis congenita. Last evaluated: 2019-11-11. Review status: no assertion criteria provided. Collection method: clinical testing. Allele origin: germline. Not counted in ClinVar's aggregate classification.

Literature cited by the submitters: PubMed 36413997 (cited by Ambry Genetics).